The following is an entry in ClinVar:

NM_018052.5(VAC14):c.2094C>T (p.Tyr698=)

Gene: VAC14 (VAC14 component of PIKFYVE complex; minus strand). Cytogenetic location: 16q22.1.
Variant type: single nucleotide variant.
Coding change: c.2094C>T on transcript NM_018052.5 (MANE Select); coding-DNA position 2094, C replaced by T.
Protein change: p.Tyr698=; no amino-acid change (tyrosine 698 retained).
Molecular consequence: synonymous variant.
Genome position (GRCh38, 1-based): chr16:70,692,913, G>A on the plus strand (C>T on the coding strand, the complement: VAC14 is on the minus strand). VCF-style: chr16-70692913-G-A. GRCh37 (hg19) VCF-style: chr16-70726816-G-A.
Other names: c.1392C>T, p.Tyr464= (NM_001351157.2).
Identifiers: ClinVar variation 2898450 (VCV002898450.7), dbSNP rs368686568, ClinGen allele CA8147406.
Genomic context (GRCh38, chr16:70,692,913, plus strand): 5'-CTGGAGCCGGTGCGAGAGCAGCTGGAAGGCGCTGCTCTGCGGCAGGAGCATGAGCAGGCC[G>A]TAGAGGGCCTTGATCAGGTAGGGGTTGTTCTTCACGTCCAGCAGCTGCAGGCGCAGATCT-3'
Protein context (NP_060522.3, residues 688-708): KNNPYLIKAL[Tyr698=]GLLMLLPQSS

ClinVar aggregate classification (germline): Likely benign. Review status: criteria provided, multiple submitters, no conflicts (2 of 4 stars). 2 submissions from 2 submitters: Likely benign (2). Last evaluated 2026-02-01.

Allele frequency attached by ClinVar (database versions not stated): ExAC 0.00001; gnomAD exomes 0.00001; TOPMed 0.00001; gnomAD 0.00003.
gnomAD v4.1: 17 of 1,610,416 alleles (0.0011%); highest among the groups gnomAD compares: African/African-American, 0.011%; no homozygotes.

Submissions (2):

CeGaT Center for Human Genetics Tuebingen
Classification: Likely benign. Last evaluated: 2026-02-01. Review status: criteria provided, single submitter. Criteria: CeGaT Center For Human Genetics Tuebingen Variant Classification Criteria Version 2. Collection method: clinical testing. Allele origin: germline. Affected: yes. Observed: 1 variant allele.
Comment: VAC14: BP4, BP7

Labcorp Genetics (formerly Invitae), Labcorp
Classification: Likely benign. Last evaluated: 2023-08-17. Review status: criteria provided, single submitter. Criteria: Invitae Variant Classification Sherloc (09022015). Collection method: clinical testing. Allele origin: germline.